The following is an entry in ClinVar:

NM_016292.3(TRAP1):c.97A>G (p.Ile33Val)

Gene: TRAP1 (TNF receptor associated protein 1; minus strand). Cytogenetic location: 16p13.3.
Variant type: single nucleotide variant.
Coding change: c.97A>G on transcript NM_016292.3 (MANE Select); coding-DNA position 97, A replaced by G.
Protein change: p.Ile33Val; replaces isoleucine 33 with valine.
Molecular consequence: missense variant. On other transcripts: intron variant (1).
Genome position (GRCh38, 1-based): chr16:3,690,977, T>C on the plus strand (A>G on the coding strand, the complement: TRAP1 is on the minus strand). VCF-style: chr16-3690977-T-C. GRCh37 (hg19) VCF-style: chr16-3740978-T-C.
Other names: c.89-1840A>G (NM_001272049.2); short protein forms I33V.
Identifiers: ClinVar variation 1927665 (VCV001927665.5), dbSNP rs749004055, ClinGen allele CA7868860.

ClinVar aggregate classification (germline): Uncertain significance (1 of 4 stars; one submission).

Allele frequency attached by ClinVar (database versions not stated): gnomAD exomes below 0.00001; ExAC 0.00001.
gnomAD v4.1: 4 of 1,506,482 alleles (0.00027%); highest among the groups gnomAD compares: Admixed American, 0.0024%; no homozygotes.

Submission:

Labcorp Genetics (formerly Invitae), Labcorp
Classification: Uncertain significance. Last evaluated: 2023-09-13. Review status: criteria provided, single submitter. Criteria: Invitae Variant Classification Sherloc (09022015). Collection method: clinical testing. Allele origin: germline.
Comment: This sequence change replaces isoleucine, which is neutral and non-polar, with valine, which is neutral and non-polar, at codon 33 of the TRAP1 protein (p.Ile33Val). The frequency data for this variant in the population databases is considered unreliable, as metrics indicate poor data quality at this position in the gnomAD database. This variant has not been reported in the literature in individuals affected with TRAP1-related conditions. ClinVar contains an entry for this variant (Variation ID: 1927665). Algorithms developed to predict the effect of missense changes on protein structure and function output the following: SIFT: "Not Available"; PolyPhen-2: "Benign"; Align-GVGD: "Not Available". The valine amino acid residue is found in multiple mammalian species, which suggests that this missense change does not adversely affect protein function. In summary, the available evidence is currently insufficient to determine the role of this variant in disease. Therefore, it has been classified as a Variant of Uncertain Significance.